The following is an entry in ClinVar:

NM_000329.3(RPE65):c.998+1G>A

Gene: RPE65 (retinoid isomerohydrolase RPE65; minus strand). Cytogenetic location: 1p31.3.
Variant type: single nucleotide variant.
Coding change: c.998+1G>A on transcript NM_000329.3 (MANE Select); the canonical splice donor site of the intron after coding-DNA position 998, G replaced by A.
Molecular consequence: splice donor variant.
Genome position (GRCh38, 1-based): chr1:68,438,941, C>T on the plus strand (G>A on the coding strand, the complement: RPE65 is on the minus strand). VCF-style: chr1-68438941-C-T. GRCh37 (hg19) VCF-style: chr1-68904624-C-T.
Other names: c.722+1G>A (NM_001406857.1, NM_001406856.1); c.890+1G>A (NM_001406853.1); c.998+1G>A (NM_001406859.1).
Identifiers: ClinVar variation 1468758 (VCV001468758.14), dbSNP rs1645879495, ClinGen allele CA340744551.
Genomic context (GRCh38, chr1:68,438,941, plus strand): 5'-AAAACCCCGTAATTTCCAGGAACAATGGGAGGTGTCCCATTTGTCCAGTGTCCTTTCTTA[C>T]CCTTTCCAGCAGCAGAGATCCACAATCAGAAACCCATTGTCTTCATAGGTGTTGATGTGA-3'

ClinVar aggregate classification (germline): Pathogenic. Review status: reviewed by expert panel (3 of 4 stars). 5 submissions from 5 submitters: Pathogenic (1). 4 of the submissions do not count toward it. Last evaluated 2024-02-20.

Conditions:
RPE65-related recessive retinopathy. Also called: Recessive RPE65 retinopathy. Identifiers: MedGen CN305526, MONDO:0100368.
Leber congenital amaurosis 2 (LCA2). Also called: Autosomal Recessive RPE65-Related Retinal Degeneration; AMAUROSIS CONGENITA OF LEBER II. Identifiers: Orphanet 65, MedGen C1859844, MONDO:0008765, OMIM 204100. Disease mechanism: loss of function.
Retinitis pigmentosa 20 (RP20). Identifiers: Orphanet 791, MedGen C3151086, MONDO:0013425, OMIM 613794.

Allele frequency attached by ClinVar (database versions not stated): gnomAD exomes below 0.00001.
gnomAD v4.1: 3 of 1,613,962 alleles (0.00019%); highest among the groups gnomAD compares: Non-Finnish European, 0.00025%; no homozygotes.

Submissions (5):

ClinGen Leber Congenital Amaurosis/early Onset Retinal Dystrophy Variant Curation Expert Panel, ClinGen
Classification: Pathogenic for RPE65-related recessive retinopathy. Last evaluated: 2024-02-20. Review status: reviewed by expert panel. Criteria: ClinGen LCAeoRD ACMG Specifications RPE65 V1.0.0. Collection method: curation. Allele origin: germline. Inheritance: Autosomal recessive inheritance.
Comment: NM_000329.3(RPE65):c.998+1G>A is a non-coding variant that disrupts a canonical splice donor site in intron 9 at the junction with exon 9 and is predicted to lead to skipping of a critical exon in which missense variants have previously been established as a mechanism of disease (PVS1). This variant is absent from gnomAD v2.1.1 (PM2_Supporting). At least one proband harboring this variant exhibits a phenotype including onset at before the age of 5 years (1 pt), night blindness, reduced visual acuity (1 pt), and extinguished ERG responses from rods (0.5 pts) and cones (1 pt), with exome sequencing-based genotyping that did not provide an alternative explanation for visual impairment (2 pts), which together are specific for RPE65-related recessive retinopathy (4.5 total pts, PMID: 31273949, PP4). In summary, this variant meets the criteria to be classified as pathogenic for RPE65-related recessive retinopathy based on the ACMG/AMP criteria applied, as specified by the ClinGen LCA / eoRD VCEP: PVS1, PM2_Supporting, and PP4. (VCEP specifications version 1.0.0; date of approval 09/21/2023).

Myriad Genetics, Inc.
Classification: Pathogenic for RPE65-related recessive retinopathy. Last evaluated: 2026-09-08. Review status: criteria provided, single submitter. Criteria: Myriad Autosomal Dominant, Autosomal Recessive and X-Linked Classification Criteria (2023). Collection method: clinical testing. Allele origin: unknown. Not counted in ClinVar's aggregate classification.
Comment: NM_000329.2(RPE65):c.998+1G>A is a variant in a canonical splice site classified as pathogenic in the context of inherited retinal dystrophy, RPE65-related. c.998+1G>A has been observed in cases with relevant disease (PMID: 31273949, 33952291). Relevant functional assessments of this variant are not available in the literature. c.998+1G>A has not been observed in referenced population frequency databases. In summary, NM_000329.2(RPE65):c.998+1G>A is a variant in a canonical splice site in a gene where loss of function is a known mechanism of disease, is predicted to disrupt protein function, and has been observed more frequently in cases with the relevant disease than in healthy populations. Please note: this variant was assessed in the context of healthy population screening.

Labcorp Genetics (formerly Invitae), Labcorp
Classification: Pathogenic for Leber congenital amaurosis 2; Retinitis pigmentosa 20. Last evaluated: 2023-10-13. Review status: criteria provided, single submitter. Criteria: Invitae Variant Classification Sherloc (09022015). Collection method: clinical testing. Allele origin: germline. Not counted in ClinVar's aggregate classification.
Comment: This sequence change affects a donor splice site in intron 9 of the RPE65 gene. It is expected to disrupt RNA splicing. Variants that disrupt the donor or acceptor splice site typically lead to a loss of protein function (PMID: 16199547), and loss-of-function variants in RPE65 are known to be pathogenic (PMID: 9326941, 9501220, 9843205, 18632300). This variant is not present in population databases (gnomAD no frequency). Disruption of this splice site has been observed in individual(s) with clinical features of RPE65-related conditions (PMID: 31054281, 31273949, 33952291). In at least one individual the data is consistent with being in trans (on the opposite chromosome) from a pathogenic variant. ClinVar contains an entry for this variant (Variation ID: 1468758). Algorithms developed to predict the effect of sequence changes on RNA splicing suggest that this variant may disrupt the consensus splice site. For these reasons, this variant has been classified as Pathogenic.

Baylor Genetics
Classification: Pathogenic for Leber congenital amaurosis 2. Last evaluated: 2023-03-30. Review status: criteria provided, single submitter. Criteria: ACMG Guidelines, 2015. Collection method: clinical testing. Allele origin: unknown. Not counted in ClinVar's aggregate classification.

Juno Genomics, Hangzhou Juno Genomics, Inc
Classification: Pathogenic for Retinitis pigmentosa 20. Review status: criteria provided, single submitter. Criteria: ACMG Guidelines, 2015. Collection method: clinical testing. Allele origin: germline. Not counted in ClinVar's aggregate classification.
Comment: Absent from controls (or at extremely low frequency if recessive) in Genome Aggregation Database.;Null variant in a gene where loss of function (LOF) is a known mechanism of disease.;For recessive disorders, detected in trans with a pathogenic variant.;Patient's phenotype or family history is highly specific for a disease with a single genetic etiology.

Literature cited by the submitters: PubMed 31273949 (cited by Myriad Genetics, Inc. and Labcorp Genetics (formerly Invitae), Labcorp); PubMed 33952291 (cited by Myriad Genetics, Inc. and Labcorp Genetics (formerly Invitae), Labcorp); PubMed 16199547 (cited by Labcorp Genetics (formerly Invitae), Labcorp); PubMed 9326941 (cited by Labcorp Genetics (formerly Invitae), Labcorp); PubMed 9501220 (cited by Labcorp Genetics (formerly Invitae), Labcorp); PubMed 9843205 (cited by Labcorp Genetics (formerly Invitae), Labcorp); PubMed 18632300 (cited by Labcorp Genetics (formerly Invitae), Labcorp); PubMed 31054281 (cited by Labcorp Genetics (formerly Invitae), Labcorp).